The following is an entry in ClinVar:

ClinVar aggregate classification (germline): Benign (0 of 4 stars; one submission).

Conditions:
WASHC4-related disorder. Also called: WASHC4-related condition.

Allele frequency attached by ClinVar (database versions not stated): 1000 Genomes Project 30x 0.00562; 1000 Genomes Project 0.00599; TOPMed 0.01337; ESP Exome Variant Server 0.01446; ExAC 0.01487; gnomAD 0.01553; gnomAD exomes 0.02026.
gnomAD v4.1: 31,730 of 1,605,798 alleles (2%); highest among the groups gnomAD compares: Non-Finnish European, 2.3%; 386 homozygotes.

Submission:

PreventionGenetics, part of Exact Sciences
Classification: Benign for WASHC4-related condition. Last evaluated: 2019-09-05. Review status: no assertion criteria provided. Collection method: clinical testing. Allele origin: germline.
Comment: This variant is classified as benign based on ACMG/AMP sequence variant interpretation guidelines (Richards et al. 2015 PMID: 25741868, with internal and published modifications).

NM_015275.3(WASHC4):c.112T>C (p.Tyr38His)

Gene: WASHC4 (WASH complex subunit 4; plus strand). Cytogenetic location: 12q23.3.
Variant type: single nucleotide variant.
Coding change: c.112T>C on transcript NM_015275.3 (MANE Select); coding-DNA position 112, T replaced by C.
Protein change: p.Tyr38His; replaces tyrosine 38 with histidine.
Molecular consequence: missense variant.
Genome position (GRCh38, 1-based): chr12:105,111,175, T>C. VCF-style: chr12-105111175-T-C. GRCh37 (hg19) VCF-style: chr12-105504953-T-C.
Other names: c.112T>C, p.Tyr38His (NM_001293640.2); short protein forms Y38H.
Identifiers: ClinVar variation 3055677 (VCV003055677.2), dbSNP rs35294333, ClinGen allele CA6758208.